The following is an entry in ClinVar:

NM_000302.4(PLOD1):c.1271C>T (p.Ala424Val)

Gene: PLOD1 (procollagen-lysine,2-oxoglutarate 5-dioxygenase 1; plus strand). Cytogenetic location: 1p36.22.
Variant type: single nucleotide variant.
Coding change: c.1271C>T on transcript NM_000302.4 (MANE Select); coding-DNA position 1271, C replaced by T.
Protein change: p.Ala424Val; replaces alanine 424 with valine.
Molecular consequence: missense variant.
Genome position (GRCh38, 1-based): chr1:11,964,243, C>T. VCF-style: chr1-11964243-C-T. GRCh37 (hg19) VCF-style: chr1-12024300-C-T.
Other names: c.1412C>T, p.Ala471Val (NM_001316320.2); short protein forms A424V, A471V.
Identifiers: ClinVar variation 1765554 (VCV001765554.2), dbSNP rs2522852397, ClinGen allele CA338441368.

ClinVar aggregate classification (germline): Uncertain significance (1 of 4 stars; one submission).

Conditions:
Familial thoracic aortic aneurysm and aortic dissection (TAAD). Also called: Thoracic aortic aneurysms and dissections. Identifiers: Orphanet 91387, MedGen C4707243, MONDO:0019625.

Allele frequency attached by ClinVar (database versions not stated): gnomAD exomes below 0.00001.
gnomAD v4.1: 1 of 1,596,690 alleles (0.000063%); highest among the groups gnomAD compares: Non-Finnish European, 0.000085%; no homozygotes.

Submission:

Ambry Genetics
Classification: Uncertain significance for Familial thoracic aortic aneurysm and aortic dissection. Last evaluated: 2022-05-09. Review status: criteria provided, single submitter. Criteria: Ambry Variant Classification Scheme 2023. Collection method: clinical testing. Allele origin: germline.
Comment: The p.A424V variant (also known as c.1271C>T), located in coding exon 12 of the PLOD1 gene, results from a C to T substitution at nucleotide position 1271. The alanine at codon 424 is replaced by valine, an amino acid with similar properties. This amino acid position is conserved. In addition, this alteration is predicted to be tolerated by in silico analysis. Since supporting evidence is limited at this time, the clinical significance of this alteration remains unclear.